The following is an entry in ClinVar:

NM_018685.5(ANLN):c.3362T>C (p.Ile1121Thr)

Gene: ANLN (anillin, actin binding protein; plus strand). Cytogenetic location: 7p14.2.
Variant type: single nucleotide variant.
Coding change: c.3362T>C on transcript NM_018685.5 (MANE Select); coding-DNA position 3362, T replaced by C.
Protein change: p.Ile1121Thr; replaces isoleucine 1121 with threonine.
Molecular consequence: missense variant.
Genome position (GRCh38, 1-based): chr7:36,452,587, T>C. VCF-style: chr7-36452587-T-C. GRCh37 (hg19) VCF-style: chr7-36492196-T-C.
Other names: c.3251T>C, p.Ile1084Thr (NM_001284301.3); c.3248T>C, p.Ile1083Thr (NM_001284302.3); short protein forms I1083T, I1084T, I1121T.
Identifiers: ClinVar variation 3673726 (VCV003673726.2).
Genomic context (GRCh38, chr7:36,452,587, plus strand): 5'-AACTCAATCAAGTTCTTGTTGATATTCGCCTCTGGCAACCTGATGCTTGCTACAAACCTA[T>C]TGGAAAGCCTTAAACCGGGAAATTTCCATGCTATCTAGAGGTTTTTGATGTCATCTTAAG-3'
Protein context (NP_061155.2, residues 1111-1124): LWQPDACYKP[Ile1121Thr]GKP

ClinVar aggregate classification (germline): Uncertain significance (1 of 4 stars; one submission).

gnomAD v4.1: 16 of 1,613,900 alleles (0.00099%); highest among the groups gnomAD compares: African/African-American, 0.0013%; no homozygotes.

Submission:

Labcorp Genetics (formerly Invitae), Labcorp
Classification: Uncertain significance. Last evaluated: 2025-09-02. Review status: criteria provided, single submitter. Criteria: Invitae Variant Classification Sherloc (09022015). Collection method: clinical testing. Allele origin: germline.
Comment: This sequence change replaces isoleucine, which is neutral and non-polar, with threonine, which is neutral and polar, at codon 1121 of the ANLN protein (p.Ile1121Thr). This variant is present in population databases (no rsID available, gnomAD 0.0008%). This variant has not been reported in the literature in individuals affected with ANLN-related conditions. ClinVar contains an entry for this variant (Variation ID: 3673726). An algorithm developed to predict the effect of missense changes on protein structure and function (PolyPhen-2) suggests that this variant is likely to be disruptive. In summary, the available evidence is currently insufficient to determine the role of this variant in disease. Therefore, it has been classified as a Variant of Uncertain Significance.